The following is an entry in ClinVar:

ClinVar aggregate classification (germline): Uncertain significance (1 of 4 stars; one submission).

Conditions:
Cenani-Lenz syndactyly syndrome. Also called: CENANI SYNDACTYLISM; SYNDACTYLY, TYPE VII. Identifiers: Orphanet 3258, MedGen C1859309, MONDO:0008931, OMIM 212780.
Sclerosteosis 2 (SOST2). Identifiers: Orphanet 3152, MedGen C3280402, MONDO:0013679, OMIM 614305.
Congenital myasthenic syndrome 17. Identifiers: Orphanet 590, MedGen C4225377, MONDO:0014578, OMIM 616304.

Submission:

Labcorp Genetics (formerly Invitae), Labcorp
Classification: Uncertain significance for Cenani-Lenz syndactyly syndrome; Sclerosteosis 2; Congenital myasthenic syndrome 17. Last evaluated: 2022-06-13. Review status: criteria provided, single submitter. Criteria: Invitae Variant Classification Sherloc (09022015). Collection method: clinical testing. Allele origin: germline.
Comment: In summary, the available evidence is currently insufficient to determine the role of this variant in disease. Therefore, it has been classified as a Variant of Uncertain Significance. Algorithms developed to predict the effect of missense changes on protein structure and function are either unavailable or do not agree on the potential impact of this missense change (SIFT: "Deleterious"; PolyPhen-2: "Probably Damaging"; Align-GVGD: "Class C15"). This variant has not been reported in the literature in individuals affected with LRP4-related conditions. This variant is not present in population databases (gnomAD no frequency). This sequence change replaces aspartic acid, which is acidic and polar, with asparagine, which is neutral and polar, at codon 572 of the LRP4 protein (p.Asp572Asn).

NM_002334.4(LRP4):c.1714G>A (p.Asp572Asn)

Gene: LRP4 (LDL receptor related protein 4; minus strand). Cytogenetic location: 11p11.2.
Variant type: single nucleotide variant.
Coding change: c.1714G>A on transcript NM_002334.4 (MANE Select); coding-DNA position 1714, G replaced by A.
Protein change: p.Asp572Asn; replaces aspartic acid 572 with asparagine.
Molecular consequence: missense variant.
Genome position (GRCh38, 1-based): chr11:46,890,478, C>T on the plus strand (G>A on the coding strand, the complement: LRP4 is on the minus strand). VCF-style: chr11-46890478-C-T. GRCh37 (hg19) VCF-style: chr11-46912029-C-T.
Other names: short protein forms D572N.
Identifiers: ClinVar variation 2417061 (VCV002417061.4), dbSNP rs2539759815, ClinGen allele CA380283456.